The following is an entry in ClinVar:

NM_017636.4(TRPM4):c.1538A>G (p.Lys513Arg)

Gene: TRPM4 (transient receptor potential cation channel subfamily M member 4; plus strand). Cytogenetic location: 19q13.33.
Variant type: single nucleotide variant.
Coding change: c.1538A>G on transcript NM_017636.4 (MANE Select); coding-DNA position 1538, A replaced by G.
Protein change: p.Lys513Arg; replaces lysine 513 with arginine.
Molecular consequence: missense variant. On other transcripts: 5 prime UTR variant (1).
Genome position (GRCh38, 1-based): chr19:49,182,852, A>G. VCF-style: chr19-49182852-A-G. GRCh37 (hg19) VCF-style: chr19-49686109-A-G.
Other names: c.1538A>G, p.Lys513Arg (NM_001195227.2); c.1193A>G, p.Lys398Arg (NM_001321281.2); c.-16A>G (NM_001321282.2); c.1016A>G, p.Lys339Arg (NM_001321283.2); c.476A>G, p.Lys159Arg (NM_001321285.2); short protein forms K513R, K339R, K159R, K398R.
Identifiers: ClinVar variation 3677243 (VCV003677243.2).

ClinVar aggregate classification (germline): Uncertain significance (1 of 4 stars; one submission).

Conditions:
Progressive familial heart block type IB (PFHB1B). Identifiers: Orphanet 871, MedGen C1970298, MONDO:0011474, OMIM 604559.

Submission:

Labcorp Genetics (formerly Invitae), Labcorp
Classification: Uncertain significance for Progressive familial heart block type IB. Last evaluated: 2024-08-28. Review status: criteria provided, single submitter. Criteria: Invitae Variant Classification Sherloc (09022015). Collection method: clinical testing. Allele origin: germline.
Comment: This sequence change replaces lysine, which is basic and polar, with arginine, which is basic and polar, at codon 513 of the TRPM4 protein (p.Lys513Arg). This variant is not present in population databases (gnomAD no frequency). This variant has not been reported in the literature in individuals affected with TRPM4-related conditions. An algorithm developed to predict the effect of missense changes on protein structure and function (PolyPhen-2) suggests that this variant is likely to be tolerated. In summary, the available evidence is currently insufficient to determine the role of this variant in disease. Therefore, it has been classified as a Variant of Uncertain Significance.